The following is an entry in ClinVar:

NM_000059.4(BRCA2):c.881A>C (p.Glu294Ala)

Gene: BRCA2 (BRCA2 DNA repair associated; plus strand). Cytogenetic location: 13q13.1.
Variant type: single nucleotide variant.
Coding change: c.881A>C on transcript NM_000059.4 (MANE Select); coding-DNA position 881, A replaced by C.
Protein change: p.Glu294Ala; replaces glutamic acid 294 with alanine.
Molecular consequence: missense variant.
Genome position (GRCh38, 1-based): chr13:32,332,359, A>C. VCF-style: chr13-32332359-A-C. GRCh37 (hg19) VCF-style: chr13-32906496-A-C.
Other names: c.881A>C, p.Glu294Ala (NM_001406719.1, NM_001406720.1, NM_001406721.1); short protein forms E294A.
Identifiers: ClinVar variation 1764767 (VCV001764767.4), dbSNP rs753352530, ClinGen allele CA387760640.

ClinVar aggregate classification (germline): Conflicting classifications of pathogenicity. Review status: criteria provided, conflicting classifications (1 of 4 stars). 2 submissions from 2 submitters: Uncertain significance (1); Likely benign (1). Last evaluated 2023-03-23.

Conditions:
Hereditary cancer-predisposing syndrome. Also called: Neoplastic Syndromes, Hereditary; Tumor predisposition; Hereditary Cancer Syndrome; Hereditary neoplastic syndrome. Identifiers: Orphanet 140162, MedGen C0027672, MeSH D009386, MONDO:0015356.

Submissions (2):

University of Washington Department of Laboratory Medicine, University of Washington
Classification: Likely benign for Hereditary cancer-predisposing syndrome. Last evaluated: 2023-03-23. Review status: criteria provided, single submitter. Criteria: Dines et al. (Genet Med. 2020). Collection method: curation. Allele origin: germline.
Comment: Missense variant in a coldspot region where missense variants are very unlikely to be pathogenic (PMID:31911673).

BRCA2 exon 10 coldspot. Reclassification based on statistical prior probability.

Ambry Genetics
Classification: Uncertain significance for Hereditary cancer-predisposing syndrome. Last evaluated: 2021-12-01. Review status: criteria provided, single submitter. Criteria: Ambry Variant Classification Scheme 2023. Collection method: clinical testing. Allele origin: germline.
Comment: The p.E294A variant (also known as c.881A>C), located in coding exon 9 of the BRCA2 gene, results from an A to C substitution at nucleotide position 881. The glutamic acid at codon 294 is replaced by alanine, an amino acid with dissimilar properties. This amino acid position is conserved. In addition, this alteration is predicted to be tolerated by in silico analysis. Since supporting evidence is limited at this time, the clinical significance of this alteration remains unclear.